The following is an entry in ClinVar:

ClinVar aggregate classification (germline): Uncertain significance. Review status: criteria provided, multiple submitters, no conflicts (2 of 4 stars). 2 submissions from 2 submitters: Uncertain significance (2). Last evaluated 2026-03-16.

Conditions:
Developmental and epileptic encephalopathy, 9 (DEE9). Also called: JUBERG-HELLMAN SYNDROME; PCDH19-Related X-Linked Female-Limited Epilepsy with Mental Retardation; Early infantile epileptic encephalopathy 9; EPILEPSY, FEMALE-RESTRICTED, WITH MENTAL RETARDATION. Identifiers: Orphanet 101039, Orphanet 2076, MedGen C1848137, MONDO:0010246, OMIM 300088. Disease mechanism: loss of function.

Allele frequency attached by ClinVar (database versions not stated): ExAC 0.00001; gnomAD 0.00001; gnomAD exomes 0.00001.
gnomAD v4.1: 14 of 1,208,520 alleles (0.0012%); highest among the groups gnomAD compares: Non-Finnish European, 0.0016%; no homozygotes.

Submissions (2):

GeneDx
Classification: Uncertain significance. Last evaluated: 2026-03-16. Review status: criteria provided, single submitter. Criteria: GeneDx Variant Classification Process June 2021. Collection method: clinical testing. Allele origin: germline.
Comment: Not observed at significant frequency in large population cohorts (gnomAD); In silico analysis supports that this missense variant has a deleterious effect on protein structure/function; Has not been previously published as pathogenic or benign to our knowledge

Labcorp Genetics (formerly Invitae), Labcorp
Classification: Uncertain significance for Developmental and epileptic encephalopathy, 9. Last evaluated: 2022-12-19. Review status: criteria provided, single submitter. Criteria: Invitae Variant Classification Sherloc (09022015). Collection method: clinical testing. Allele origin: germline.
Comment: This sequence change replaces histidine, which is basic and polar, with arginine, which is basic and polar, at codon 909 of the PCDH19 protein (p.His909Arg). In summary, the available evidence is currently insufficient to determine the role of this variant in disease. Therefore, it has been classified as a Variant of Uncertain Significance. Advanced modeling of protein sequence and biophysical properties (such as structural, functional, and spatial information, amino acid conservation, physicochemical variation, residue mobility, and thermodynamic stability) performed at Invitae indicates that this missense variant is not expected to disrupt PCDH19 protein function. This variant has not been reported in the literature in individuals affected with PCDH19-related conditions. This variant is present in population databases (rs757664012, gnomAD 0.002%).

NM_001184880.2(PCDH19):c.2726A>G (p.His909Arg)

Gene: PCDH19 (protocadherin 19; minus strand). Cytogenetic location: Xq22.1.
Variant type: single nucleotide variant.
Coding change: c.2726A>G on transcript NM_001184880.2 (MANE Select); coding-DNA position 2726, A replaced by G.
Protein change: p.His909Arg; replaces histidine 909 with arginine.
Molecular consequence: missense variant.
Genome position (GRCh38, 1-based): chrX:100,342,025, T>C on the plus strand (A>G on the coding strand, the complement: PCDH19 is on the minus strand). VCF-style: chrX-100342025-T-C. GRCh37 (hg19) VCF-style: chrX-99597023-T-C.
Other names: c.2726A>G (NM_001184880.1); c.2585A>G, p.His862Arg (NM_001105243.2); c.2582A>G, p.His861Arg (NM_020766.3); short protein forms H861R, H862R, H909R.
Identifiers: ClinVar variation 2916025 (VCV002916025.4), dbSNP rs757664012, ClinGen allele CA10468716.
Genomic context (GRCh38, chrX:100,342,025, plus strand): 5'-GTATCACAATACAGGCTCCGCTGGACATCATGCTCACTGTCAGTTTGGTCACTCTCCTCA[T>C]GTCCACTATCCTTCAGGCTGTTGCCCTCTAAGTCCTTGAAGGTGGAGCTGCTGGGTTGAA-3'
Protein context (NP_001171809.1, residues 899-919): LEGNSLKDSG[His909Arg]EESDQTDSEH